The following is an entry in ClinVar:

ClinVar aggregate classification (germline): Uncertain significance (1 of 4 stars; one submission).

Conditions:
Hereditary cancer-predisposing syndrome. Also called: Hereditary Cancer Syndrome; Hereditary neoplastic syndrome; Tumor predisposition; Neoplastic Syndromes, Hereditary. Identifiers: Orphanet 140162, MedGen C0027672, MeSH D009386, MONDO:0015356.

Submission:

Ambry Genetics
Classification: Uncertain significance for Hereditary cancer-predisposing syndrome. Last evaluated: 2025-04-20. Review status: criteria provided, single submitter. Criteria: Ambry Variant Classification Scheme 2023. Collection method: clinical testing. Allele origin: germline.
Comment: The p.E77G variant (also known as c.230A>G), located in coding exon 3 of the XRCC2 gene, results from an A to G substitution at nucleotide position 230. The glutamic acid at codon 77 is replaced by glycine, an amino acid with similar properties. This amino acid position is well conserved in available vertebrate species. In addition, the in silico prediction for this alteration is inconclusive. Since supporting evidence is limited at this time, the clinical significance of this alteration remains unclear.

NM_005431.2(XRCC2):c.230A>G (p.Glu77Gly)

Gene: XRCC2 (X-ray repair cross complementing 2; minus strand). Cytogenetic location: 7q36.1.
Variant type: single nucleotide variant.
Coding change: c.230A>G on transcript NM_005431.2 (MANE Select); coding-DNA position 230, A replaced by G.
Protein change: p.Glu77Gly; replaces glutamic acid 77 with glycine.
Molecular consequence: missense variant.
Genome position (GRCh38, 1-based): chr7:152,649,255, T>C on the plus strand (A>G on the coding strand, the complement: XRCC2 is on the minus strand). VCF-style: chr7-152649255-T-C. GRCh37 (hg19) VCF-style: chr7-152346340-T-C.
Other names: short protein forms E77G.
Identifiers: ClinVar variation 1789400 (VCV001789400.3), dbSNP rs2485881849, ClinGen allele CA370199152.
Genomic context (GRCh38, chr7:152,649,255, plus strand): 5'-TCAAGAATTGTAACTAGCCGGAGCATATCAAAGTGGTAATCTGTATCAATAAATAAGACT[T>C]CTACTTCCAGGCCACCTTCTGATTTGGGAAGTATACATCGTGCTGTTAGGTGATAAAGCA-3'
Protein context (NP_005422.1, residues 67-87): LPKSEGGLEV[Glu77Gly]VLFIDTDYHF